The following is an entry in ClinVar:

ClinVar aggregate classification (germline): Uncertain significance (1 of 4 stars; one submission).

Conditions:
Familial thoracic aortic aneurysm and aortic dissection (TAAD). Also called: Thoracic aortic aneurysms and dissections. Identifiers: Orphanet 91387, MedGen C4707243, MONDO:0019625.

gnomAD v4.1: 12 of 1,614,046 alleles (0.00074%); highest among the groups gnomAD compares: Admixed American, 0.02%; no homozygotes.

Submission:

Ambry Genetics
Classification: Uncertain significance for Familial thoracic aortic aneurysm and aortic dissection. Last evaluated: 2025-02-22. Review status: criteria provided, single submitter. Criteria: Ambry Variant Classification Scheme 2023. Collection method: clinical testing. Allele origin: germline.
Comment: The p.H1304L variant (also known as c.3911A>T), located in coding exon 20 of the MYLK gene, results from an A to T substitution at nucleotide position 3911. The histidine at codon 1304 is replaced by leucine, an amino acid with similar properties. This amino acid position is conserved. In addition, the in silico prediction for this alteration is inconclusive. Based on the available evidence, the clinical significance of this variant remains unclear.

NM_053025.4(MYLK):c.3911A>T (p.His1304Leu)

Gene: MYLK (myosin light chain kinase; minus strand). Cytogenetic location: 3q21.1.
Variant type: single nucleotide variant.
Coding change: c.3911A>T on transcript NM_053025.4 (MANE Select); coding-DNA position 3911, A replaced by T.
Protein change: p.His1304Leu; replaces histidine 1304 with leucine.
Molecular consequence: missense variant.
Genome position (GRCh38, 1-based): chr3:123,664,179, T>A on the plus strand (A>T on the coding strand, the complement: MYLK is on the minus strand). VCF-style: chr3-123664179-T-A. GRCh37 (hg19) VCF-style: chr3-123383026-T-A.
Other names: c.3383A>T, p.His1128Leu (NM_001321309.2); c.3704A>T, p.His1235Leu (NM_053026.4, NM_053028.4); c.3911A>T, p.His1304Leu (NM_053027.4); short protein forms H1128L, H1235L, H1304L.
Identifiers: ClinVar variation 3876593 (VCV003876593.1).